The following is an entry in ClinVar:

ClinVar aggregate classification (germline): Pathogenic (1 of 4 stars; one submission).

Submission:

Labcorp Genetics (formerly Invitae), Labcorp
Classification: Pathogenic. Last evaluated: 2019-08-24. Review status: criteria provided, single submitter. Criteria: Invitae Variant Classification Sherloc (09022015). Collection method: clinical testing. Allele origin: germline.
Comment: For these reasons, this variant has been classified as Pathogenic. Loss-of-function variants in GRHPR are known to be pathogenic (PMID: 25644115). This variant has not been reported in the literature in individuals with GRHPR-related conditions. This variant is an out-of-frame deletion of the genomic region encompassing exons 6-7 of the GRHPR gene. This is expected to create a premature translational stop signal and result in an absent or disrupted protein product.

Literature cited by the submitters: PubMed 25644115.

NC_000009.12:g.(?_37429722)_(37430656_?)del

Gene: GRHPR (glyoxylate and hydroxypyruvate reductase; plus strand). Cytogenetic location: 9p13.2.
Variant type: Deletion.
Identifiers: ClinVar variation 832046 (VCV000832046.5).